The following is an entry in ClinVar:

ClinVar aggregate classification (germline): Likely benign (0 of 4 stars; one submission).

Conditions:
KMT2D-related disorder. Also called: KMT2D-Related Disorders.

Submission:

PreventionGenetics, part of Exact Sciences
Classification: Likely benign for KMT2D-related condition. Last evaluated: 2020-12-16. Review status: no assertion criteria provided. Collection method: clinical testing. Allele origin: germline.
Comment: This variant is classified as likely benign based on ACMG/AMP sequence variant interpretation guidelines (Richards et al. 2015 PMID: 25741868, with internal and published modifications).

NM_003482.4(KMT2D):c.15579T>A (p.Pro5193=)

Gene: KMT2D (lysine methyltransferase 2D; minus strand). Cytogenetic location: 12q13.12.
Variant type: single nucleotide variant.
Coding change: c.15579T>A on transcript NM_003482.4 (MANE Select); coding-DNA position 15579, T replaced by A.
Protein change: p.Pro5193=; no amino-acid change (proline 5193 retained).
Molecular consequence: synonymous variant.
Genome position (GRCh38, 1-based): chr12:49,026,387, A>T on the plus strand (T>A on the coding strand, the complement: KMT2D is on the minus strand). VCF-style: chr12-49026387-A-T. GRCh37 (hg19) VCF-style: chr12-49420170-A-T.
Identifiers: ClinVar variation 3031062 (VCV003031062.2), dbSNP rs2137715784, ClinGen allele CA479706465.